The following is an entry in ClinVar:

ClinVar aggregate classification (germline): Benign. Review status: criteria provided, multiple submitters, no conflicts (2 of 4 stars). 8 submissions from 6 submitters: Benign (7). 1 of the submissions does not count toward it. Last evaluated 2026-02-04.

Conditions:
Rothmund-Thomson syndrome type 2 (RTS2). Identifiers: Orphanet 221016, MedGen C5203410, MONDO:0016369, OMIM 268400.
Baller-Gerold syndrome (BGS). Also called: CRANIOSYNOSTOSIS WITH RADIAL DEFECTS. Identifiers: Orphanet 1225, MedGen C0265308, MONDO:0009039, OMIM 218600.
Rapadilino syndrome. Identifiers: Orphanet 3021, MedGen C1849453, MONDO:0009955, OMIM 266280.

Allele frequency attached by ClinVar (database versions not stated): 1000 Genomes Project 0.94329; 1000 Genomes Project 30x 0.94831; gnomAD exomes 0.96967 and 0.98931; ExAC 0.97332; TOPMed 0.97767; gnomAD 0.98285 and 0.98532; ESP Exome Variant Server 0.99517.
gnomAD v4.1: 1,593,870 of 1,612,104 alleles (99%); highest among the groups gnomAD compares: Non-Finnish European, 100%; 789,429 homozygotes.

Submissions (8):

Labcorp Genetics (formerly Invitae), Labcorp
Classification: Benign for Baller-Gerold syndrome. Last evaluated: 2026-02-04. Review status: criteria provided, single submitter. Criteria: Invitae Variant Classification Sherloc (09022015). Collection method: clinical testing. Allele origin: germline.

Blueprint Genetics
Classification: Benign. Last evaluated: 2024-11-27. Review status: criteria provided, single submitter. Criteria: ACMG Guidelines, 2015. Collection method: clinical testing. Allele origin: germline.

Genome-Nilou Lab
Classification: Benign for Baller-Gerold syndrome. Last evaluated: 2021-11-07. Review status: criteria provided, single submitter. Criteria: ACMG Guidelines, 2015. Collection method: clinical testing. Allele origin: germline. Affected: no.

Genome-Nilou Lab
Classification: Benign for Rapadilino syndrome. Last evaluated: 2021-11-07. Review status: criteria provided, single submitter. Criteria: ACMG Guidelines, 2015. Collection method: clinical testing. Allele origin: germline. Affected: no.

Genome-Nilou Lab
Classification: Benign for Rothmund-Thomson syndrome type 2. Last evaluated: 2021-11-07. Review status: criteria provided, single submitter. Criteria: ACMG Guidelines, 2015. Collection method: clinical testing. Allele origin: germline. Affected: no.

Eurofins Ntd Llc (ga)
Classification: Benign. Last evaluated: 2012-08-02. Review status: criteria provided, single submitter. Criteria: EGL Classification Definitions 2015. Collection method: clinical testing. Allele origin: germline. Observed: 16 variant alleles, 2 heterozygotes, 14 homozygotes.

Breakthrough Genomics
Classification: Benign. Review status: criteria provided, single submitter. Criteria: ACMG Guidelines, 2015. Collection method: not provided. Allele origin: germline. Inheritance: Autosomal recessive inheritance. Affected: yes.

ITMI
No classification provided. Condition: AllHighlyPenetrant. Last evaluated: 2013-09-19. Review status: no classification provided. Collection method: reference population. Allele origin: germline. Not counted in ClinVar's aggregate classification.
Comment: Please see associated publication for description of ethnicities

Literature cited by the submitters: PubMed 24728327 (cited by ITMI).

NM_004260.4(RECQL4):c.274T>C (p.Ser92Pro)

Gene: RECQL4 (RecQ like helicase 4; minus strand). Cytogenetic location: 8q24.3.
Variant type: single nucleotide variant.
Coding change: c.274T>C on transcript NM_004260.4 (MANE Select); coding-DNA position 274, T replaced by C.
Protein change: p.Ser92Pro; replaces serine 92 with proline.
Molecular consequence: missense variant.
Genome position (GRCh38, 1-based): chr8:144,517,130, A>G on the plus strand (T>C on the coding strand, the complement: RECQL4 is on the minus strand). VCF-style: chr8-144517130-A-G. GRCh37 (hg19) VCF-style: chr8-145742514-A-G.
Identifiers: ClinVar variation 135161 (VCV000135161.16), dbSNP rs2721190, ClinGen allele CA161879.